The following is an entry in ClinVar:

ClinVar aggregate classification (germline): Uncertain significance (1 of 4 stars; one submission).

Submission:

Labcorp Genetics (formerly Invitae), Labcorp
Classification: Uncertain significance. Last evaluated: 2023-11-27. Review status: criteria provided, single submitter. Criteria: Invitae Variant Classification Sherloc (09022015). Collection method: clinical testing. Allele origin: germline.
Comment: This variant, c.2946_2948del, results in the deletion of 1 amino acid(s) of the CACNA1E protein (p.Arg983del), but otherwise preserves the integrity of the reading frame. This variant is not present in population databases (gnomAD no frequency). This variant has not been reported in the literature in individuals affected with CACNA1E-related conditions. This variant is also known as c.2947_2948+1del. Experimental studies and prediction algorithms are not available or were not evaluated, and the functional significance of this variant is currently unknown. In summary, the available evidence is currently insufficient to determine the role of this variant in disease. Therefore, it has been classified as a Variant of Uncertain Significance.

NM_001205293.3(CACNA1E):c.2947_2948+1del

Gene: CACNA1E (calcium voltage-gated channel subunit alpha1 E; plus strand). Cytogenetic location: 1q25.3.
Variant type: Microsatellite.
Coding change: c.2947_2948+1del on transcript NM_001205293.3 (MANE Select); coding-DNA position 2947 through the canonical splice donor site of the intron after coding-DNA position 2948, 3 bases deleted (AGG; older notation c.2947_2948+1delAGG).
Molecular consequence: splice donor variant.
Genome position (GRCh38, 1-based): chr1:181,733,033-181,733,035, AGG deleted; deleting any 3 consecutive bases within chr1:181,733,030-181,733,035 gives the same sequence; the c. name uses the placement nearest the transcript's 3' end. VCF-style (leftmost placement, unchanged base first): chr1-181733029-AAGG-A. GRCh37 (hg19) VCF-style: chr1-181702165-AAGG-A.
Other names: c.2947_2948+1del (NM_000721.4); c.2890_2891+1del (NM_001205294.2).
Identifiers: ClinVar variation 2122506 (VCV002122506.4), dbSNP rs1289292438, ClinGen allele CA892013937.